The following is an entry in ClinVar:

ClinVar aggregate classification (germline): Likely pathogenic (1 of 4 stars; one submission).

Submission:

GeneDx
Classification: Likely pathogenic. Last evaluated: 2016-04-27. Review status: criteria provided, single submitter. Criteria: GeneDx Variant Classification (06012015). Collection method: clinical testing. Allele origin: germline. Affected: yes.
Comment: The M455T variant has previously been reported in association with autosomal dominant progressive external ophthalmoplegia (Milone et al., 2013). The M455T variant was not observed in approximately 6,500 individuals of European and African American ancestry in the NHLBI Exome Sequencing Project, indicating it is not a common benign variant in these populations. The M455T variant is a non-conservative amino acid substitution, which is likely to impact secondary protein structure as these residues differ in polarity, charge, size and/or other properties. This substitution occurs at a position that is conserved across species, and in silico analysis predicts this variant is probably damaging to the protein structure/function. Missense variants in nearby residues (L456V, T457I, Q458H, A460P/G) have been reported as pathogenic variants in the Human Gene Mutation Database in association with C10orf2-related disorders (Stenson et al., 2014), supporting the functional importance of this region of the protein. Therefore, this variant is likely pathogenic; however, the possibility that it is benign cannot be excluded.

NM_021830.5(TWNK):c.1364T>C (p.Met455Thr)

Gene: TWNK (twinkle mtDNA helicase; plus strand). Cytogenetic location: 10q24.31.
Variant type: single nucleotide variant.
Coding change: c.1364T>C on transcript NM_021830.5 (MANE Select); coding-DNA position 1364, T replaced by C.
Protein change: p.Met455Thr; replaces methionine 455 with threonine.
Molecular consequence: missense variant. On other transcripts: initiator codon variant (3), non-coding transcript variant (5).
Genome position (GRCh38, 1-based): chr10:100,989,764, T>C. VCF-style: chr10-100989764-T-C. GRCh37 (hg19) VCF-style: chr10-102749521-T-C.
Other names: c.1364T>C, p.Met455Thr (NM_001163812.2); c.2T>C, p.Met1Thr (NM_001163813.2, NM_001163814.2, NM_001368275.1); short protein forms M455T, M1T.
Identifiers: ClinVar variation 432115 (VCV000432115.3), dbSNP rs1554887207, ClinGen allele CA378210689.